The following is an entry in ClinVar:

NM_004183.4(BEST1):c.895G>A (p.Gly299Arg)

Gene: BEST1 (bestrophin 1; plus strand). Cytogenetic location: 11q12.3.
Variant type: single nucleotide variant.
Coding change: c.895G>A on transcript NM_004183.4 (MANE Select); coding-DNA position 895, G replaced by A.
Protein change: p.Gly299Arg; replaces glycine 299 with arginine.
Molecular consequence: missense variant. On other transcripts: synonymous variant (1), non-coding transcript variant (1), intron variant (1).
Genome position (GRCh38, 1-based): chr11:61,959,525, G>A. VCF-style: chr11-61959525-G-A. GRCh37 (hg19) VCF-style: chr11-61726997-G-A.
Other names: c.715G>A, p.Gly239Arg (NM_001139443.3, NM_001300787.2); c.577G>A, p.Gly193Arg (NM_001363591.3); c.1098G>A, p.Leu366= (NM_001363592.2); c.-78G>A (NM_001363593.3); c.688-367G>A (NM_001300786.2); short protein forms G193R, G299R, G239R.
Identifiers: ClinVar variation 2735635 (VCV002735635.3), dbSNP rs2541395701, ClinGen allele CA380843811.

ClinVar aggregate classification (germline): Pathogenic (1 of 4 stars; one submission).

Submission:

Labcorp Genetics (formerly Invitae), Labcorp
Classification: Pathogenic. Last evaluated: 2023-11-15. Review status: criteria provided, single submitter. Criteria: Invitae Variant Classification Sherloc (09022015). Collection method: clinical testing. Allele origin: germline.
Comment: This sequence change replaces glycine, which is neutral and non-polar, with arginine, which is basic and polar, at codon 299 of the BEST1 protein (p.Gly299Arg). This variant is not present in population databases (gnomAD no frequency). This missense change has been observed in individuals with autosomal dominant Best disease (PMID: 17287362; Invitae). Advanced modeling of protein sequence and biophysical properties (such as structural, functional, and spatial information, amino acid conservation, physicochemical variation, residue mobility, and thermodynamic stability) performed at Invitae indicates that this missense variant is expected to disrupt BEST1 protein function with a positive predictive value of 95%. Experimental studies have shown that this missense change does not substantially affect BEST1 function (PMID: 18509027). This variant disrupts the p.Gly299 amino acid residue in BEST1. Other variant(s) that disrupt this residue have been determined to be pathogenic (PMID: 9662395, 11904445, 12939260, 19372599). This suggests that this residue is clinically significant, and that variants that disrupt this residue are likely to be disease-causing. For these reasons, this variant has been classified as Pathogenic.

Literature cited by the submitters: PubMed 17287362; PubMed 18509027; PubMed 9662395; PubMed 11904445; PubMed 12939260; PubMed 19372599.